The following is an entry in ClinVar:

ClinVar aggregate classification (germline): Uncertain significance. Review status: criteria provided, multiple submitters, no conflicts (2 of 4 stars). 2 submissions from 2 submitters: Uncertain significance (2). Last evaluated 2022-10-14.

Allele frequency attached by ClinVar (database versions not stated): gnomAD 0.00002; TOPMed 0.00002.

Submissions (2):

Blueprint Genetics
Classification: Uncertain significance. Last evaluated: 2022-10-14. Review status: criteria provided, single submitter. Criteria: ACMG Guidelines, 2015. Collection method: clinical testing. Allele origin: germline.

Labcorp Genetics (formerly Invitae), Labcorp
Classification: Uncertain significance. Last evaluated: 2021-10-10. Review status: criteria provided, single submitter. Criteria: Invitae Variant Classification Sherloc (09022015). Collection method: clinical testing. Allele origin: germline.
Comment: This sequence change replaces arginine with glutamine at codon 1436 of the GPR179 protein (p.Arg1436Gln). The arginine residue is moderately conserved and there is a small physicochemical difference between arginine and glutamine. This variant is not present in population databases (ExAC no frequency). This variant has not been reported in the literature in individuals affected with GPR179-related conditions. Algorithms developed to predict the effect of missense changes on protein structure and function (SIFT, PolyPhen-2, Align-GVGD) all suggest that this variant is likely to be tolerated. In summary, the available evidence is currently insufficient to determine the role of this variant in disease. Therefore, it has been classified as a Variant of Uncertain Significance.

NM_001004334.4(GPR179):c.4307G>A (p.Arg1436Gln)

Gene: GPR179 (G protein-coupled receptor 179; minus strand). Cytogenetic location: 17q12.
Variant type: single nucleotide variant.
Coding change: c.4307G>A on transcript NM_001004334.4 (MANE Select); coding-DNA position 4307, G replaced by A.
Protein change: p.Arg1436Gln; replaces arginine 1436 with glutamine.
Molecular consequence: missense variant.
Genome position (GRCh38, 1-based): chr17:38,329,262, C>T on the plus strand (G>A on the coding strand, the complement: GPR179 is on the minus strand). VCF-style: chr17-38329262-C-T. GRCh37 (hg19) VCF-style: chr17-36485145-C-T.
Other names: short protein forms R1436Q.
Identifiers: ClinVar variation 1523922 (VCV001523922.4), dbSNP rs771254829, ClinGen allele CA290104260.